The following is an entry in ClinVar:

ClinVar aggregate classification (germline): Uncertain significance (1 of 4 stars; one submission).

gnomAD v4.1: 3 of 1,614,192 alleles (0.00019%); highest among the groups gnomAD compares: Admixed American, 0.0033%; no homozygotes.

Submission:

Labcorp Genetics (formerly Invitae), Labcorp
Classification: Uncertain significance. Last evaluated: 2024-02-17. Review status: criteria provided, single submitter. Criteria: Invitae Variant Classification Sherloc (09022015). Collection method: clinical testing. Allele origin: germline.
Comment: This sequence change replaces glutamine, which is neutral and polar, with proline, which is neutral and non-polar, at codon 763 of the KANK1 protein (p.Gln763Pro). This variant is present in population databases (no rsID available, gnomAD 0.003%). This variant has not been reported in the literature in individuals affected with KANK1-related conditions. Advanced modeling of protein sequence and biophysical properties (such as structural, functional, and spatial information, amino acid conservation, physicochemical variation, residue mobility, and thermodynamic stability) performed at Invitae indicates that this missense variant is not expected to disrupt KANK1 protein function with a negative predictive value of 80%. In summary, the available evidence is currently insufficient to determine the role of this variant in disease. Therefore, it has been classified as a Variant of Uncertain Significance.

NM_015158.5(KANK1):c.2288A>C (p.Gln763Pro)

Gene: KANK1 (KN motif and ankyrin repeat domains 1; plus strand). Cytogenetic location: 9p24.3.
Variant type: single nucleotide variant.
Coding change: c.2288A>C on transcript NM_015158.5 (MANE Select); coding-DNA position 2288, A replaced by C.
Protein change: p.Gln763Pro; replaces glutamine 763 with proline.
Molecular consequence: missense variant. On other transcripts: non-coding transcript variant (1).
Genome position (GRCh38, 1-based): chr9:713,054, A>C. VCF-style: chr9-713054-A-C. GRCh37 (hg19) VCF-style: chr9-713054-A-C.
Other names: c.2288A>C, p.Gln763Pro (NM_001256876.3, NM_001256877.3, NM_001354331.2 and 2 more transcripts); c.1814A>C, p.Gln605Pro (NM_001354333.2, NM_153186.6, NM_001354335.2 and 9 more transcripts); short protein forms Q605P, Q763P.
Identifiers: ClinVar variation 3611931 (VCV003611931.2).